The following is an entry in ClinVar:

ClinVar aggregate classification (germline): Uncertain significance (1 of 4 stars; one submission).

Conditions:
Neuropathy, hereditary sensory and autonomic, type 2A (HSAN2A). Also called: HSAN IIA; MORVAN DISEASE; NEUROPATHY, CONGENITAL SENSORY; NEUROPATHY, HEREDITARY SENSORY RADICULAR, AUTOSOMAL RECESSIVE; NEUROPATHY, HEREDITARY SENSORY, TYPE IIA; NEUROPATHY, PROGRESSIVE SENSORY, OF CHILDREN. Identifiers: Orphanet 970, MedGen C2752089, MONDO:0024309, OMIM 201300.
Generalized epilepsy with febrile seizures plus, type 7 (GEFSP7). Also called: GEFS+, TYPE 7. Identifiers: Orphanet 36387, MedGen C2751778, MONDO:0013470, OMIM 613863.

Allele frequency attached by ClinVar (database versions not stated): gnomAD exomes 0.00001.
gnomAD v4.1: 7 of 1,504,098 alleles (0.00047%); highest among the groups gnomAD compares: Non-Finnish European, 0.00064%; no homozygotes.

Submission:

Labcorp Genetics (formerly Invitae), Labcorp
Classification: Uncertain significance for Neuropathy, hereditary sensory and autonomic, type 2A; Generalized epilepsy with febrile seizures plus, type 7. Last evaluated: 2022-07-05. Review status: criteria provided, single submitter. Criteria: Invitae Variant Classification Sherloc (09022015). Collection method: clinical testing. Allele origin: germline.
Comment: In summary, the available evidence is currently insufficient to determine the role of this variant in disease. Therefore, it has been classified as a Variant of Uncertain Significance. Algorithms developed to predict the effect of sequence changes on RNA splicing suggest that this variant is not likely to affect RNA splicing. ClinVar contains an entry for this variant (Variation ID: 1347797). This variant has not been reported in the literature in individuals affected with SCN9A-related conditions. This variant is not present in population databases (gnomAD no frequency). This sequence change affects codon 1409 of the SCN9A mRNA. It is a 'silent' change, meaning that it does not change the encoded amino acid sequence of the SCN9A protein. It affects a nucleotide within the consensus splice site.

NM_001365536.1(SCN9A):c.4260T>C (p.Asn1420=)

Genes: SCN1A-AS1 (SCN1A and SCN9A antisense RNA 1; plus strand), SCN9A (sodium voltage-gated channel alpha subunit 9; minus strand). Cytogenetic location: 2q24.3.
Variant type: single nucleotide variant.
Coding change: c.4260T>C on transcript NM_001365536.1 (MANE Select); coding-DNA position 4260, T replaced by C.
Protein change: p.Asn1420=; no amino-acid change (asparagine 1420 retained).
Molecular consequence: synonymous variant.
Genome position (GRCh38, 1-based): chr2:166,227,670, A>G on the plus strand (T>C on the coding strand, the complement: SCN9A is on the minus strand). VCF-style: chr2-166227670-A-G. GRCh37 (hg19) VCF-style: chr2-167084180-A-G.
Other names: c.4227T>C, p.Asn1409= (NM_002977.4).
Identifiers: ClinVar variation 1347797 (VCV001347797.6), dbSNP rs2106384980, ClinGen allele CA429898653.